The following is an entry in ClinVar:

NM_000091.5(COL4A3):c.3883-9G>C

Genes: COL4A3 (collagen type IV alpha 3 chain; plus strand), MFF-DT (MFF divergent transcript; minus strand). Cytogenetic location: 2q36.3.
Variant type: single nucleotide variant.
Coding change: c.3883-9G>C on transcript NM_000091.5 (MANE Select); 9 bases into the intron before coding-DNA position 3883, G replaced by C.
Molecular consequence: intron variant.
Genome position (GRCh38, 1-based): chr2:227,303,029, G>C. VCF-style: chr2-227303029-G-C. GRCh37 (hg19) VCF-style: chr2-228167745-G-C.
Identifiers: ClinVar variation 3033275 (VCV003033275.2), dbSNP rs2106267296, ClinGen allele CA2577265501.
Genomic context (GRCh38, chr2:227,303,029, plus strand): 5'-AAAAAACTGCTGTGAATTGAGTGATTTTAAAAATTTGTTTTGGTTCTGCTCCCTTTATTT[G>C]AAATATAGGGAGCACCAGGTACTCCAGGTCTTCCAGGACCCAGAGGTGATCCTGGATTCC-3'

ClinVar aggregate classification (germline): Likely benign (0 of 4 stars; one submission).

Conditions:
COL4A3-related disorder. Also called: COL4A3-Related Disorders; COL4A3-related condition.

Submission:

PreventionGenetics, part of Exact Sciences
Classification: Likely benign for COL4A3-related condition. Last evaluated: 2022-05-06. Review status: no assertion criteria provided. Collection method: clinical testing. Allele origin: germline.
Comment: This variant is classified as likely benign based on ACMG/AMP sequence variant interpretation guidelines (Richards et al. 2015 PMID: 25741868, with internal and published modifications).